The following is an entry in ClinVar:

NM_014244.5(ADAMTS2):c.2422del (p.Thr808fs)

Gene: ADAMTS2 (ADAM metallopeptidase with thrombospondin type 1 motif 2; minus strand). Cytogenetic location: 5q35.3.
Variant type: Deletion.
Coding change: c.2422del on transcript NM_014244.5 (MANE Select); coding-DNA position 2422, one base deleted (A; older notation c.2422delA).
Protein change: p.Thr808fs; shifts the reading frame from threonine 808.
Molecular consequence: frameshift variant.
Genome position (GRCh38, 1-based): chr5:179,129,967, T deleted on the plus strand (A on the coding strand, the reverse complement: ADAMTS2 is on the minus strand). VCF-style (leftmost placement, unchanged base first): chr5-179129966-GT-G. GRCh37 (hg19) VCF-style: chr5-178556967-GT-G.
Other names: short protein forms T808fs.
Identifiers: ClinVar variation 1065161 (VCV001065161.5), dbSNP rs2113200020, ClinGen allele CA2499217797.

ClinVar aggregate classification (germline): Likely pathogenic. Review status: criteria provided, single submitter (1 of 4 stars). 2 submissions from 2 submitters: Likely pathogenic (1). 1 of the submissions does not count toward it. Last evaluated 2022-11-10.

Conditions:
Ehlers-Danlos syndrome, dermatosparaxis type. Also called: Dermatosparaxis; EDS VIIC; Ehlers-Danlos syndrome, type VII, autosomal recessive. Identifiers: Orphanet 1901, MedGen C2700425, MONDO:0009161, OMIM 225410.

Submissions (2):

Women's Health and Genetics/Laboratory Corporation of America, LabCorp
Classification: Likely pathogenic for Ehlers-Danlos syndrome, dermatosparaxis type. Last evaluated: 2022-11-10. Review status: criteria provided, single submitter. Criteria: LabCorp Variant Classification Summary - May 2015. Collection method: clinical testing. Allele origin: germline.
Comment: Variant summary: ADAMTS2 c.2422delA (p.Thr808ProfsX23) results in a premature termination codon, predicted to cause a truncation of the encoded protein or absence of the protein due to nonsense mediated decay, which are commonly known mechanisms for disease. Truncations downstream of this position have been cited as pathogenic and disease-associated in ClinVar and HGMD. The variant was absent in 251004 control chromosomes (gnomAD). To our knowledge, no occurrence of c.2422delA in individuals affected with Ehlers-Danlos Syndrome, Type VIIC (Dermatosparaxis) and no experimental evidence demonstrating its impact on protein function have been reported. A ClinVar submitter (evaluation after 2014) cites the variant as likely pathogenic. Based on the evidence outlined above, the variant was classified as likely pathogenic.

Natera, Inc.
Classification: Likely pathogenic for Ehlers-Danlos syndrome type VIIC. Last evaluated: 2021-02-18. Review status: no assertion criteria provided. Collection method: clinical testing. Allele origin: germline. Not counted in ClinVar's aggregate classification.